The following is an entry in ClinVar:

NM_002465.4(MYBPC1):c.1957G>A (p.Val653Met)

Gene: MYBPC1 (myosin binding protein C1; plus strand). Cytogenetic location: 12q23.2.
Variant type: single nucleotide variant.
Coding change: c.1957G>A on transcript NM_002465.4 (MANE Select); coding-DNA position 1957, G replaced by A.
Protein change: p.Val653Met; replaces valine 653 with methionine.
Molecular consequence: missense variant.
Genome position (GRCh38, 1-based): chr12:101,661,187, G>A. VCF-style: chr12-101661187-G-A. GRCh37 (hg19) VCF-style: chr12-102054965-G-A.
Other names: c.1882G>A, p.Val628Met (NM_001254718.3, NM_001254719.3, NM_206820.4 and 1 more transcripts); c.1846G>A, p.Val616Met (NM_001254720.3); c.1825G>A, p.Val609Met (NM_001254721.3, NM_001404676.1, NM_001404678.1); c.1804G>A, p.Val602Met (NM_001254722.3, NM_001404680.1); c.1843G>A, p.Val615Met (NM_001254723.3); c.1957G>A, p.Val653Met (NM_001404675.1, NM_206819.4); c.1747G>A, p.Val583Met (NM_001404677.1, NM_001404679.1, NM_001404681.1); short protein forms V583M, V602M, V616M, V609M, V653M, V628M, V615M.
Identifiers: ClinVar variation 4978298 (VCV004978298.1).
Genomic context (GRCh38, chr12:101,661,187, plus strand): 5'-TTTACTTTATCCTATTTTTTGTCTGCCACAGACTTCCCTGATCCTCCAGTGGCACCGACT[G>A]TGACAGAGGTGGGAGATGACTGGTGTATCATGAACTGGGAGCCTCCTGCCTACGACGGAG-3'
Protein context (NP_002456.2, residues 643-663): DFPDPPVAPT[Val653Met]TEVGDDWCIM

ClinVar aggregate classification (germline): Uncertain significance (1 of 4 stars; one submission).

Conditions:
MYBPC1-related disorder. Also called: MYBPC1-related condition.

gnomAD v4.1: 3 of 1,613,714 alleles (0.00019%); highest among the groups gnomAD compares: Admixed American, 0.0017%; no homozygotes.

Submission:

PreventionGenetics, part of Exact Sciences
Classification: Uncertain significance for MYBPC1-related condition. Last evaluated: 2025-05-21. Review status: criteria provided, single submitter. Criteria: ACMG Guidelines, 2015. Collection method: clinical testing. Allele origin: germline.
Comment: The MYBPC1 c.1957G>A variant is predicted to result in the amino acid substitution p.Val653Met. To our knowledge, this variant has not been reported in the literature. This variant is reported in 0.0029% of alleles in individuals of Latino descent in gnomAD. At this time, the clinical significance of this variant is uncertain due to the absence of conclusive functional and genetic evidence.